The following is an entry in ClinVar:

NM_015001.3(SPEN):c.7778A>G (p.Asn2593Ser)

Gene: SPEN (spen family transcriptional repressor; plus strand). Cytogenetic location: 1p36.13.
Variant type: single nucleotide variant.
Coding change: c.7778A>G on transcript NM_015001.3 (MANE Select); coding-DNA position 7778, A replaced by G.
Protein change: p.Asn2593Ser; replaces asparagine 2593 with serine.
Molecular consequence: missense variant.
Genome position (GRCh38, 1-based): chr1:15,934,018, A>G. VCF-style: chr1-15934018-A-G. GRCh37 (hg19) VCF-style: chr1-16260513-A-G.
Other names: short protein forms N2593S.
Identifiers: ClinVar variation 3056834 (VCV003056834.2), dbSNP rs77870948, ClinGen allele CA620165.

ClinVar aggregate classification (germline): Benign (0 of 4 stars; one submission).

Conditions:
SPEN-related disorder. Also called: SPEN-related condition.

Allele frequency attached by ClinVar (database versions not stated): ExAC 0.01107; gnomAD 0.03523; TOPMed 0.03936; 1000 Genomes Project 0.03954; 1000 Genomes Project 30x 0.04154; ESP Exome Variant Server 0.04183.
gnomAD v4.1: 10,320 of 1,613,826 alleles (0.64%); highest among the groups gnomAD compares: African/African-American, 12%; 581 homozygotes.

Submission:

PreventionGenetics, part of Exact Sciences
Classification: Benign for SPEN-related condition. Last evaluated: 2024-03-29. Review status: no assertion criteria provided. Collection method: clinical testing. Allele origin: germline.
Comment: This variant is classified as benign based on ACMG/AMP sequence variant interpretation guidelines (Richards et al. 2015 PMID: 25741868, with internal and published modifications).